The following is an entry in ClinVar:

NM_001374828.1(ARID1B):c.1676G>C (p.Gly559Ala)

Gene: ARID1B (AT-rich interaction domain 1B; plus strand). Cytogenetic location: 6q25.3.
Variant type: single nucleotide variant.
Coding change: c.1676G>C on transcript NM_001374828.1 (MANE Select); coding-DNA position 1676, G replaced by C.
Protein change: p.Gly559Ala; replaces glycine 559 with alanine.
Molecular consequence: missense variant.
Genome position (GRCh38, 1-based): chr6:156,779,356, G>C. VCF-style: chr6-156779356-G-C. GRCh37 (hg19) VCF-style: chr6-157100490-G-C.
Other names: c.1427G>C, p.Gly476Ala (NM_001346813.1, NM_020732.3); c.1676G>C, p.Gly559Ala (NM_001371656.1, NM_001374820.1, NM_017519.3); c.1253G>C, p.Gly418Ala (NM_175863.2); short protein forms G418A, G476A, G559A.
Identifiers: ClinVar variation 2571265 (VCV002571265.30), dbSNP rs777545755, ClinGen allele CA4066775.

ClinVar aggregate classification (germline): Likely benign. Review status: criteria provided, multiple submitters, no conflicts (2 of 4 stars). 4 submissions from 4 submitters: Likely benign (4). Last evaluated 2026-01-01.

Conditions:
Inborn genetic diseases. Identifiers: MedGen C0950123, MeSH D030342.

Allele frequency attached by ClinVar (database versions not stated): TOPMed 0.00001; gnomAD 0.00007; 1000 Genomes Project 30x 0.00031; ExAC 0.00207.
gnomAD v4.1: 51 of 1,273,426 alleles (0.004%); highest among the groups gnomAD compares: South Asian, 0.087%; 1 homozygote.

Submissions (4):

CeGaT Center for Human Genetics Tuebingen
Classification: Likely benign. Last evaluated: 2026-01-01. Review status: criteria provided, single submitter. Criteria: CeGaT Center For Human Genetics Tuebingen Variant Classification Criteria Version 2. Collection method: clinical testing. Allele origin: germline. Affected: yes. Observed: 3 variant alleles.
Comment: ARID1B: BS1

Labcorp Genetics (formerly Invitae), Labcorp
Classification: Likely benign. Last evaluated: 2025-04-02. Review status: criteria provided, single submitter. Criteria: Invitae Variant Classification Sherloc (09022015). Collection method: clinical testing. Allele origin: germline.

Blueprint Genetics
Classification: Likely benign. Last evaluated: 2024-07-05. Review status: criteria provided, single submitter. Criteria: ACMG Guidelines, 2015. Collection method: clinical testing. Allele origin: germline.

Ambry Genetics
Classification: Likely benign for Inborn genetic diseases. Last evaluated: 2023-11-13. Review status: criteria provided, single submitter. Criteria: Ambry Variant Classification Scheme 2023. Collection method: clinical testing. Allele origin: germline.